The following is an entry in ClinVar:

NM_025000.4(DCAF17):c.1068dup (p.His357fs)

Gene: DCAF17 (DDB1 and CUL4 associated factor 17; plus strand). Cytogenetic location: 2q31.1.
Variant type: Duplication.
Coding change: c.1068dup on transcript NM_025000.4 (MANE Select); coding-DNA position 1068, one base duplicated (A; older notation c.1068dupA).
Protein change: p.His357fs; shifts the reading frame from histidine 357.
Molecular consequence: frameshift variant. On other transcripts: non-coding transcript variant (1), intron variant (1).
Genome position (GRCh38, 1-based): chr2:171,473,952, A duplicated. VCF-style (leftmost placement, unchanged base first): chr2-171473951-T-TA. GRCh37 (hg19) VCF-style: chr2-172330461-T-TA.
Other names: c.982-4035dup (NM_001164821.2); short protein forms H357fs.
Identifiers: ClinVar variation 2734788 (VCV002734788.3), dbSNP rs2529782157, ClinGen allele CA2697551359.
Genomic context (GRCh38, chr2:171,473,951, plus strand): 5'-ATTGTTGTTCTCTAGAATCTGACTGGATCTATTTCCATCCTGATGCTTCTGGTAGAATAA[T>TA]ACATGTTGGTCCAAATCAAGTCAAGTGAGTAATCTCATTAGCACTTGAAAGTTAAGAGCA-3'

ClinVar aggregate classification (germline): Pathogenic (1 of 4 stars; one submission).

Conditions:
Woodhouse-Sakati syndrome. Also called: EXTRAPYRAMIDAL DISORDER, PROGRESSIVE, WITH PRIMARY HYPOGONADISM, MENTAL RETARDATION, AND ALOPECIA; Hypogonadism, Alopecia, Diabetes Mellitus, Mental Retardation, and Extrapyramidal Syndrome; Hypogonadism, diabetes mellitus, alopecia, mental retardation and electrocardiographic abnormalities. Identifiers: Orphanet 3464, MedGen C0342286, MONDO:0009419, OMIM 241080.

Submission:

Labcorp Genetics (formerly Invitae), Labcorp
Classification: Pathogenic for Woodhouse-Sakati syndrome. Last evaluated: 2023-04-08. Review status: criteria provided, single submitter. Criteria: Invitae Variant Classification Sherloc (09022015). Collection method: clinical testing. Allele origin: germline.
Comment: Algorithms developed to predict the effect of sequence changes on RNA splicing suggest that this variant may disrupt the consensus splice site. This variant has not been reported in the literature in individuals affected with DCAF17-related conditions. This variant is not present in population databases (gnomAD no frequency). This sequence change creates a premature translational stop signal (p.His357Thrfs*14) in the DCAF17 gene. It is expected to result in an absent or disrupted protein product. Loss-of-function variants in DCAF17 are known to be pathogenic (PMID: 19026396, 20507343). For these reasons, this variant has been classified as Pathogenic.

Literature cited by the submitters: PubMed 19026396; PubMed 20507343.